The following is an entry in ClinVar:

NM_002246.3(KCNK3):c.536C>T (p.Ser179Phe)

Gene: KCNK3 (potassium two pore domain channel subfamily K member 3; plus strand). Cytogenetic location: 2p23.3.
Variant type: single nucleotide variant.
Coding change: c.536C>T on transcript NM_002246.3 (MANE Select); coding-DNA position 536, C replaced by T.
Protein change: p.Ser179Phe; replaces serine 179 with phenylalanine.
Molecular consequence: missense variant.
Genome position (GRCh38, 1-based): chr2:26,727,919, C>T. VCF-style: chr2-26727919-C-T. GRCh37 (hg19) VCF-style: chr2-26950787-C-T.
Other names: short protein forms S179F.
Identifiers: ClinVar variation 3586255 (VCV003586255.2).
Genomic context (GRCh38, chr2:26,727,919, plus strand): 5'-TGGTGCTCATCGGCTTCTTCTCGTGCATCAGCACGCTGTGCATCGGCGCCGCCGCCTTCT[C>T]CCACTACGAGCACTGGACCTTCTTCCAGGCCTACTACTACTGCTTCATCACCCTCACCAC-3'
Protein context (NP_002237.1, residues 169-189): STLCIGAAAF[Ser179Phe]HYEHWTFFQA

ClinVar aggregate classification (germline): Uncertain significance. Review status: criteria provided, multiple submitters, no conflicts (2 of 4 stars). 2 submissions from 2 submitters: Uncertain significance (2). Last evaluated 2024-08-20.

Conditions:
Pulmonary hypertension, primary, 4. Identifiers: Orphanet 422, MedGen C3809198, MONDO:0014136, OMIM 615344.

Submissions (2):

GeneDx
Classification: Uncertain significance. Last evaluated: 2024-08-20. Review status: criteria provided, single submitter. Criteria: GeneDx Variant Classification Process June 2021. Collection method: clinical testing. Allele origin: germline. Affected: yes.
Comment: Not observed at significant frequency in large population cohorts (gnomAD); In silico analysis supports that this missense variant has a deleterious effect on protein structure/function; Has not been previously published as pathogenic or benign to our knowledge

Fulgent Genetics
Classification: Uncertain significance for Pulmonary hypertension, primary, 4. Last evaluated: 2024-04-10. Review status: criteria provided, single submitter. Criteria: ACMG Guidelines, 2015. Collection method: clinical testing. Allele origin: germline.